The following is an entry in ClinVar:

NM_016373.4(WWOX):c.517-108260C>A

Gene: WWOX (WW domain containing oxidoreductase; plus strand). Cytogenetic location: 16q23.1.
Variant type: single nucleotide variant.
Coding change: c.517-108260C>A on transcript NM_016373.4 (MANE Select); 108260 bases into the intron before coding-DNA position 517, C replaced by A.
Molecular consequence: intron variant.
Genome position (GRCh38, 1-based): chr16:78,278,600, C>A. VCF-style: chr16-78278600-C-A. GRCh37 (hg19) VCF-style: chr16-78312497-C-A.
Other names: c.178-108260C>A (NM_001291997.2); c.517-3C>A (NM_130791.5).
Identifiers: ClinVar variation 586944 (VCV000586944.10), dbSNP rs8050128, ClinGen allele CA8183271.
Genomic context (GRCh38, chr16:78,278,600, plus strand): 5'-AACAGTTCTATGTTGTTCTCATAACTTAATTTTACACAACTGTCTTTTGTTTGTATCTTA[C>A]AGAAAACAAAATACCACCCTCCGCCAGAAAAGTGCAGAATAAAAATTTTCCACTAGCAAA-3'

ClinVar aggregate classification (germline): Benign. Review status: criteria provided, multiple submitters, no conflicts (2 of 4 stars). 6 submissions from 6 submitters: Benign (5). 1 of the submissions does not count toward it. Last evaluated 2024-11-27.

Conditions:
WWOX-related disorder. Also called: WWOX-related condition.

Allele frequency attached by ClinVar (database versions not stated): gnomAD exomes 0.44902 and 0.45032; ExAC 0.45947; ESP Exome Variant Server 0.46197; gnomAD 0.46741 and 0.46958; 1000 Genomes Project 0.47224; 1000 Genomes Project 30x 0.47252; TOPMed 0.47531.
gnomAD v4.1: 715,292 of 1,581,356 alleles (45%); highest among the groups gnomAD compares: Middle Eastern, 53%; 166,567 homozygotes.

Submissions (6):

Blueprint Genetics
Classification: Benign. Last evaluated: 2024-11-27. Review status: criteria provided, single submitter. Criteria: ACMG Guidelines, 2015. Collection method: clinical testing. Allele origin: germline.

Unidad de Genómica Garrahan, Hospital de Pediatría Garrahan
Classification: Benign. Last evaluated: 2024-07-15. Review status: criteria provided, single submitter. Criteria: ACMG Guidelines, 2015. Collection method: clinical testing. Allele origin: germline. Affected: no. Observed: 33 variant alleles.
Comment: This variant is classified as Benign based on local population frequency. This variant was detected in 35% of patients studied in a panel designed for Epileptic and Developmental Encephalopathy and Progressive Myoclonus Epilepsy. Number of patients: 33. Only high quality variants are reported.

GeneDx
Classification: Benign. Last evaluated: 2021-05-16. Review status: criteria provided, single submitter. Criteria: GeneDx Variant Classification Process June 2021. Collection method: clinical testing. Allele origin: germline. Affected: yes.

Athena Diagnostics
Classification: Benign. Last evaluated: 2017-04-20. Review status: criteria provided, single submitter. Criteria: Athena Diagnostics Criteria. Collection method: clinical testing. Allele origin: germline.

Breakthrough Genomics
Classification: Benign. Review status: criteria provided, single submitter. Criteria: ACMG Guidelines, 2015. Collection method: not provided. Allele origin: germline. Inheritance: Autosomal recessive inheritance. Affected: yes.

PreventionGenetics, part of Exact Sciences
Classification: Benign for WWOX-related condition. Last evaluated: 2019-03-21. Review status: no assertion criteria provided. Collection method: clinical testing. Allele origin: germline. Not counted in ClinVar's aggregate classification.
Comment: This variant is classified as benign based on ACMG/AMP sequence variant interpretation guidelines (Richards et al. 2015 PMID: 25741868, with internal and published modifications).